The following is an entry in ClinVar:

ClinVar aggregate classification (germline): Uncertain significance (1 of 4 stars; one submission).

Submission:

Labcorp Genetics (formerly Invitae), Labcorp
Classification: Uncertain significance. Last evaluated: 2024-01-25. Review status: criteria provided, single submitter. Criteria: Invitae Variant Classification Sherloc (09022015). Collection method: clinical testing. Allele origin: unknown.
Comment: This variant is a gross deletion of the genomic region encompassing exon(s) 2-12 of the POLE gene. This variant would be expected to be in-frame, preserving the integrity of the reading frame. This variant has not been reported in the literature in individuals affected with POLE-related conditions. Experimental studies and prediction algorithms are not available or were not evaluated, and the functional significance of this variant is currently unknown. In summary, the available evidence is currently insufficient to determine the role of this variant in disease. Therefore, it has been classified as a Variant of Uncertain Significance.

NC_000012.11:g.(?_133251964)_(133257885_?)del

Gene: POLE (DNA polymerase epsilon, catalytic subunit; minus strand). Cytogenetic location: 12q24.33.
Variant type: Deletion.
Identifiers: ClinVar variation 3244402 (VCV003244402.1).